The following is an entry in ClinVar:

NM_000264.5(PTCH1):c.51_52delinsGG (p.Ser18Gly)

Genes: PTCH1 (patched 1; minus strand), LOC130002133 (ATAC-STARR-seq lymphoblastoid silent region 20071; plus strand). Cytogenetic location: 9q22.32.
Variant type: Indel.
Coding change: c.51_52delinsGG on transcript NM_000264.5 (MANE Select); coding-DNA positions 51 to 52, CA replaced by GG.
Protein change: p.Ser18Gly; replaces serine 18 with glycine.
Molecular consequence: missense variant. On other transcripts: non-coding transcript variant (1), intron variant (3).
Genome position (GRCh38, 1-based): chr9:95,508,310-95,508,311, TG replaced by CC on the plus strand (CA replaced by GG on the coding strand, the reverse complement: PTCH1 is on the minus strand). VCF-style: chr9-95508310-TG-CC. GRCh37 (hg19) VCF-style: chr9-98270592-TG-CC.
Other names: c.51_52delinsGG, p.Ser18Gly (NM_001354918.2); c.199-1712_199-1711delinsGG (NM_001083603.3); c.4-1712_4-1711delinsGG (NM_001083602.3, NM_001354919.2); short protein forms S18G.
Identifiers: ClinVar variation 4734075 (VCV004734075.1).

ClinVar aggregate classification (germline): Uncertain significance (1 of 4 stars; one submission).

Conditions:
Gorlin syndrome. Also called: Nevoid Basal Cell Carcinoma Syndrome; Basal cell nevus syndrome. Identifiers: Orphanet 377, MedGen C0004779, MONDO:0007187.

Submission:

Labcorp Genetics (formerly Invitae), Labcorp
Classification: Uncertain significance for Gorlin syndrome. Last evaluated: 2025-12-24. Review status: criteria provided, single submitter. Criteria: Invitae Variant Classification Sherloc (09022015). Collection method: clinical testing. Allele origin: germline.
Comment: This sequence change replaces serine, which is neutral and polar, with glycine, which is neutral and non-polar, at codon 18 of the PTCH1 protein (p.Ser18Gly). Information on the frequency of this variant in the gnomAD database is not available, as this variant may be reported differently in the database. This variant has not been reported in the literature in individuals affected with PTCH1-related conditions. Experimental studies and prediction algorithms are not available or were not evaluated, and the functional significance of this variant is currently unknown. In summary, the available evidence is currently insufficient to determine the role of this variant in disease. Therefore, it has been classified as a Variant of Uncertain Significance.